The following is an entry in ClinVar:

ClinVar aggregate classification (germline): Uncertain significance. Review status: criteria provided, multiple submitters, no conflicts (2 of 4 stars). 2 submissions from 2 submitters: Uncertain significance (2). Last evaluated 2024-06-18.

Conditions:
Inborn genetic diseases. Identifiers: MedGen C0950123, MeSH D030342.

Allele frequency attached by ClinVar (database versions not stated): ExAC 0.00003.

Submissions (2):

Ambry Genetics
Classification: Uncertain significance for Inborn genetic diseases. Last evaluated: 2024-06-18. Review status: criteria provided, single submitter. Criteria: Ambry Variant Classification Scheme 2023. Collection method: clinical testing. Allele origin: germline.

CeGaT Center for Human Genetics Tuebingen
Classification: Uncertain significance. Last evaluated: 2023-01-01. Review status: criteria provided, single submitter. Criteria: CeGaT Center For Human Genetics Tuebingen Variant Classification Criteria Version 2. Collection method: clinical testing. Allele origin: germline. Affected: yes. Observed: 1 variant allele.
Comment: NOTCH3: PP2

NM_000435.3(NOTCH3):c.6709C>T (p.Arg2237Trp)

Gene: NOTCH3 (notch receptor 3; minus strand). Cytogenetic location: 19p13.12.
Variant type: single nucleotide variant.
Coding change: c.6709C>T on transcript NM_000435.3 (MANE Select); coding-DNA position 6709, C replaced by T.
Protein change: p.Arg2237Trp; replaces arginine 2237 with tryptophan.
Molecular consequence: missense variant.
Genome position (GRCh38, 1-based): chr19:15,160,919, G>A on the plus strand (C>T on the coding strand, the complement: NOTCH3 is on the minus strand). VCF-style: chr19-15160919-G-A. GRCh37 (hg19) VCF-style: chr19-15271730-G-A.
Other names: c.6709C>T (NM_000435.2); short protein forms R2237W.
Identifiers: ClinVar variation 2649429 (VCV002649429.25), dbSNP rs749189648, ClinGen allele CA9262315.
Genomic context (GRCh38, chr19:15,160,919, plus strand): 5'-TGGCCCAGTGCTCAGGGGATTCGGGGGATGGGGTCAGGTAAGGGTGCTCACTGGGAACCC[G>A]CAGGAAGCGGGCCTTTGGGGGGCTGCTGTGTGCCCCAGCCGCCGGGTACTCCTCGCCATG-3'
Protein context (NP_000426.2, residues 2227-2247): HSSPPKARFL[Arg2237Trp]VPSEHPYLTP